The following is an entry in ClinVar:

ClinVar aggregate classification (germline): Uncertain significance. Review status: criteria provided, multiple submitters, no conflicts (2 of 4 stars). 2 submissions from 2 submitters: Uncertain significance (2). Last evaluated 2022-05-09.

Allele frequency attached by ClinVar (database versions not stated): gnomAD 0.00001; TOPMed 0.00002; ExAC 0.00005; gnomAD exomes 0.00005 and 0.00010.
gnomAD v4.1: 150 of 1,614,096 alleles (0.0093%); highest among the groups gnomAD compares: Non-Finnish European, 0.012%; no homozygotes.

Submissions (2):

Labcorp Genetics (formerly Invitae), Labcorp
Classification: Uncertain significance. Last evaluated: 2022-05-09. Review status: criteria provided, single submitter. Criteria: Invitae Variant Classification Sherloc (09022015). Collection method: clinical testing. Allele origin: germline.
Comment: This sequence change replaces glycine, which is neutral and non-polar, with serine, which is neutral and polar, at codon 174 of the COX15 protein (p.Gly174Ser). This variant is present in population databases (rs763842058, gnomAD 0.01%). This variant has not been reported in the literature in individuals affected with COX15-related conditions. ClinVar contains an entry for this variant (Variation ID: 214266). Algorithms developed to predict the effect of missense changes on protein structure and function are either unavailable or do not agree on the potential impact of this missense change (SIFT: "Not Available"; PolyPhen-2: "Probably Damaging"; Align-GVGD: "Not Available"). In summary, the available evidence is currently insufficient to determine the role of this variant in disease. Therefore, it has been classified as a Variant of Uncertain Significance.

GeneDx
Classification: Uncertain significance. Last evaluated: 2018-02-19. Review status: criteria provided, single submitter. Criteria: GeneDx Variant Classification (06012015). Collection method: clinical testing. Allele origin: germline. Affected: yes.
Comment: p.Gly174Ser (GGC>AGC): c.520 G>A in exon 4 of the COX15 gene (NM_078470.4). The G174S variant has not been published as a mutation, nor has it been reported as a benign polymorphism to our knowledge. The G174S variant is a non-conservative amino acid substitution, which is likely to impact secondary protein structure as these residues differ in polarity, charge, size and/or other properties. This substitution occurs at a position that is conserved across species and in silico analysis predicts this variant is probably damaging to the protein structure/function. Therefore, based on the currently available information, it is unclear whether this variant is a pathogenic mutation or a rare benign variant. The variant is found in MITONUC-MITOP panel(s).

NM_078470.6(COX15):c.520G>A (p.Gly174Ser)

Gene: COX15 (cytochrome c oxidase assembly homolog COX15; minus strand). Cytogenetic location: 10q24.2.
Variant type: single nucleotide variant.
Coding change: c.520G>A on transcript NM_078470.6 (MANE Select); coding-DNA position 520, G replaced by A.
Protein change: p.Gly174Ser; replaces glycine 174 with serine.
Molecular consequence: missense variant. On other transcripts: 5 prime UTR variant (1), non-coding transcript variant (1).
Genome position (GRCh38, 1-based): chr10:99,727,030, C>T on the plus strand (G>A on the coding strand, the complement: COX15 is on the minus strand). VCF-style: chr10-99727030-C-T. GRCh37 (hg19) VCF-style: chr10-101486787-C-T.
Other names: p.G174S:GGC>AGC; c.520G>A, p.Gly174Ser (NM_001320974.2, NM_001320975.2, NM_001372024.1 and 5 more transcripts); c.-18G>A (NM_001320976.2); short protein forms G174S.
Identifiers: ClinVar variation 214266 (VCV000214266.4), dbSNP rs763842058, ClinGen allele CA320353.